The following is an entry in ClinVar:

ClinVar aggregate classification (germline): Uncertain significance. Review status: criteria provided, multiple submitters, no conflicts (2 of 4 stars). 2 submissions from 2 submitters: Uncertain significance (2). Last evaluated 2024-09-30.

Conditions:
Inborn genetic diseases. Identifiers: MedGen C0950123, MeSH D030342.

Allele frequency attached by ClinVar (database versions not stated): gnomAD exomes 0.00004; ExAC 0.00007; gnomAD 0.00015 and 0.00016; 1000 Genomes Project 30x 0.00016; TOPMed 0.00017; 1000 Genomes Project 0.00020; ESP Exome Variant Server 0.00038.
gnomAD v4.1: 56 of 1,614,090 alleles (0.0035%); highest among the groups gnomAD compares: African/African-American, 0.037%; no homozygotes.

Submissions (2):

Ambry Genetics
Classification: Uncertain significance for Inborn genetic diseases. Last evaluated: 2024-09-30. Review status: criteria provided, single submitter. Criteria: Ambry Variant Classification Scheme 2023. Collection method: clinical testing. Allele origin: germline.

Labcorp Genetics (formerly Invitae), Labcorp
Classification: Uncertain significance. Last evaluated: 2022-07-19. Review status: criteria provided, single submitter. Criteria: Invitae Variant Classification Sherloc (09022015). Collection method: clinical testing. Allele origin: germline.
Comment: This sequence change replaces asparagine, which is neutral and polar, with serine, which is neutral and polar, at codon 196 of the PISD protein (p.Asn196Ser). This variant is present in population databases (rs148585801, gnomAD 0.02%). This variant has not been reported in the literature in individuals affected with PISD-related conditions. ClinVar contains an entry for this variant (Variation ID: 1442363). Algorithms developed to predict the effect of missense changes on protein structure and function output the following: SIFT: "Not Available"; PolyPhen-2: "Benign"; Align-GVGD: "Not Available". The serine amino acid residue is found in multiple mammalian species, which suggests that this missense change does not adversely affect protein function. In summary, the available evidence is currently insufficient to determine the role of this variant in disease. Therefore, it has been classified as a Variant of Uncertain Significance.

NM_001326411.2(PISD):c.587A>G (p.Asn196Ser)

Gene: PISD (phosphatidylserine decarboxylase; minus strand). Cytogenetic location: 22q12.2.
Variant type: single nucleotide variant.
Coding change: c.587A>G on transcript NM_001326411.2 (MANE Select); coding-DNA position 587, A replaced by G.
Protein change: p.Asn196Ser; replaces asparagine 196 with serine.
Molecular consequence: missense variant.
Genome position (GRCh38, 1-based): chr22:31,621,444, T>C on the plus strand (A>G on the coding strand, the complement: PISD is on the minus strand). VCF-style: chr22-31621444-T-C. GRCh37 (hg19) VCF-style: chr22-32017430-T-C.
Other names: c.524A>G, p.Asn175Ser (NM_001326412.1, NM_001326413.2, NM_001326414.2); c.485A>G, p.Asn162Ser (NM_001326415.2, NM_001326416.2, NM_001326417.2 and 3 more transcripts); c.407A>G, p.Asn136Ser (NM_001326418.2, NM_001326420.2); c.587A>G, p.Asn196Ser (NM_001326421.1); c.485A>G (NM_014338.3); short protein forms N196S, N162S, N175S, N136S.
Identifiers: ClinVar variation 1442363 (VCV001442363.7), dbSNP rs148585801, ClinGen allele CA10194727.